The following is an entry in ClinVar:

ClinVar aggregate classification (germline): Uncertain significance (1 of 4 stars; one submission).

Conditions:
MOGS-congenital disorder of glycosylation. Also called: MOGS-CDG; CDG 2B; GLUCOSIDASE I DEFICIENCY; CDG IIb. Identifiers: Orphanet 79330, MedGen C1853736, MONDO:0011629, OMIM 606056.

gnomAD v4.1: 2 of 1,614,124 alleles (0.00012%); highest among the groups gnomAD compares: East Asian, 0.0022%; no homozygotes.

Submission:

Labcorp Genetics (formerly Invitae), Labcorp
Classification: Uncertain significance for MOGS-congenital disorder of glycosylation. Last evaluated: 2022-07-21. Review status: criteria provided, single submitter. Criteria: Invitae Variant Classification Sherloc (09022015). Collection method: clinical testing. Allele origin: germline.
Comment: This variant has not been reported in the literature in individuals affected with MOGS-related conditions. In summary, the available evidence is currently insufficient to determine the role of this variant in disease. Therefore, it has been classified as a Variant of Uncertain Significance. This variant disrupts a region of the MOGS protein in which other variant(s) (p.Gly824Asp) have been observed in individuals with MOGS-related conditions (PMID: 33058492). This suggests that this is a clinically significant region of the protein, and that variants that disrupt it are likely to be disease-causing. Experimental studies and prediction algorithms are not available or were not evaluated, and the functional significance of this variant is currently unknown. This variant is not present in population databases (gnomAD no frequency). This sequence change creates a premature translational stop signal (p.Gln808*) in the MOGS gene. While this is not anticipated to result in nonsense mediated decay, it is expected to disrupt the last 30 amino acid(s) of the MOGS protein.

Literature cited by the submitters: PubMed 33058492.

NM_006302.3(MOGS):c.2422C>T (p.Gln808Ter)

Gene: MOGS (mannosyl-oligosaccharide glucosidase; minus strand). Cytogenetic location: 2p13.1.
Variant type: single nucleotide variant.
Coding change: c.2422C>T on transcript NM_006302.3 (MANE Select); coding-DNA position 2422, C replaced by T.
Protein change: p.Gln808Ter; replaces glutamine 808 with a stop codon.
Molecular consequence: nonsense.
Genome position (GRCh38, 1-based): chr2:74,461,367, G>A on the plus strand (C>T on the coding strand, the complement: MOGS is on the minus strand). VCF-style: chr2-74461367-G-A. GRCh37 (hg19) VCF-style: chr2-74688494-G-A.
Other names: c.2104C>T, p.Gln702Ter (NM_001146158.2); short protein forms Q702*, Q808*.
Identifiers: ClinVar variation 2200844 (VCV002200844.4), dbSNP rs995479690, ClinGen allele CA347365921.